The following is an entry in ClinVar:

ClinVar aggregate classification (germline): Likely benign. Review status: criteria provided, multiple submitters, no conflicts (2 of 4 stars). 4 submissions from 4 submitters: Likely benign (2). 2 of the submissions do not count toward it. Last evaluated 2024-09-15.

Conditions:
Joubert syndrome 7 (JBTS7). Identifiers: Orphanet 220497, MedGen C1969053, MONDO:0012694, OMIM 611560.
COACH syndrome 3. Identifiers: MedGen C5436841, MONDO:0030862, OMIM 619113.
Meckel syndrome, type 5 (MKS5). Identifiers: Orphanet 564, MedGen C1969052, MONDO:0012695, OMIM 611561.
Joubert syndrome. Also called: Familial aplasia of the vermis; JOUBERT-BOLTSHAUSER SYNDROME. Identifiers: Orphanet 475, MedGen C5979921, MONDO:0018772.
RPGRIP1L-related disorder. Also called: RPGRIP1L-related condition; RPGRIP1L-related disorders. Identifiers: MedGen CN239416.
Meckel-Gruber syndrome. Also called: DYSENCEPHALIA SPLANCHNOCYSTICA; GRUBER SYNDROME; Dysencephalia splachnocystica. Identifiers: Orphanet 564, MedGen C0265215, MONDO:0018921.

Allele frequency attached by ClinVar (database versions not stated): ExAC 0.00001; gnomAD 0.00001; gnomAD exomes 0.00001 and 0.00003; TOPMed 0.00002; ESP Exome Variant Server 0.00008.
gnomAD v4.1: 46 of 1,611,108 alleles (0.0029%); highest among the groups gnomAD compares: Non-Finnish European, 0.0035%; no homozygotes.

Submissions (4):

Labcorp Genetics (formerly Invitae), Labcorp
Classification: Likely benign for Joubert syndrome; Meckel-Gruber syndrome. Last evaluated: 2024-09-15. Review status: criteria provided, single submitter. Criteria: Invitae Variant Classification Sherloc (09022015). Collection method: clinical testing. Allele origin: germline.

Fulgent Genetics
Classification: Likely benign for Joubert syndrome 7; Meckel syndrome, type 5; COACH syndrome 3. Last evaluated: 2022-03-18. Review status: criteria provided, single submitter. Criteria: ACMG Guidelines, 2015. Collection method: clinical testing. Allele origin: unknown.

PreventionGenetics, part of Exact Sciences
Classification: Likely benign for RPGRIP1L-related condition. Last evaluated: 2020-07-29. Review status: no assertion criteria provided. Collection method: clinical testing. Allele origin: germline. Not counted in ClinVar's aggregate classification.
Comment: This variant is classified as likely benign based on ACMG/AMP sequence variant interpretation guidelines (Richards et al. 2015 PMID: 25741868, with internal and published modifications).

Natera, Inc.
Classification: Uncertain significance for Joubert syndrome. Last evaluated: 2020-02-13. Review status: no assertion criteria provided. Collection method: clinical testing. Allele origin: germline. Not counted in ClinVar's aggregate classification.

NM_015272.5(RPGRIP1L):c.1029+8C>T

Gene: RPGRIP1L (RPGRIP1 like; minus strand). Cytogenetic location: 16q12.2.
Variant type: single nucleotide variant.
Coding change: c.1029+8C>T on transcript NM_015272.5 (MANE Select); 8 bases into the intron after coding-DNA position 1029, C replaced by T.
Molecular consequence: intron variant.
Genome position (GRCh38, 1-based): chr16:53,672,862, G>A on the plus strand (C>T on the coding strand, the complement: RPGRIP1L is on the minus strand). VCF-style: chr16-53672862-G-A. GRCh37 (hg19) VCF-style: chr16-53706774-G-A.
Other names: c.1029+8C>T (NM_001127897.4, NM_001330538.2, NM_001308334.3 and 1 more transcripts).
Identifiers: ClinVar variation 701211 (VCV000701211.15), dbSNP rs367844249, ClinGen allele CA8057957.
Genomic context (GRCh38, chr16:53,672,862, plus strand): 5'-TTTACTTTTTCAAAACAGTTACCAAGAAGTTGTAATGCAACAGATGGCTAAACTCTTTGG[G>A]AGCTTACCTCTTCTATTCTTCTTTCAGAAAACTTCATAGAATGTAATTGTTTCTCAAGAC-3'